The following is an entry in ClinVar:

ClinVar aggregate classification (germline): Likely benign. Review status: criteria provided, multiple submitters, no conflicts (2 of 4 stars). 2 submissions from 2 submitters: Likely benign (2). Last evaluated 2024-05-06.

Conditions:
Bethlem myopathy 1A. Also called: MYOPATHY, BENIGN CONGENITAL, WITH CONTRACTURES; Bethlem Muscular Dystrophy; Bethlem myopathy 1. Identifiers: Orphanet 610, MedGen CN029274, MONDO:0024530, OMIM 158810.

Allele frequency attached by ClinVar (database versions not stated): TOPMed 0.00001; gnomAD exomes 0.00003; ExAC 0.00004; gnomAD 0.00004 and 0.00005; ESP Exome Variant Server 0.00008; 1000 Genomes Project 30x 0.00016; 1000 Genomes Project 0.00020.
gnomAD v4.1: 41 of 1,614,224 alleles (0.0025%); highest among the groups gnomAD compares: South Asian, 0.024%; 1 homozygote.

Submissions (2):

Labcorp Genetics (formerly Invitae), Labcorp
Classification: Likely benign for Bethlem myopathy 1A. Last evaluated: 2024-05-06. Review status: criteria provided, single submitter. Criteria: Invitae Variant Classification Sherloc (09022015). Collection method: clinical testing. Allele origin: germline.

GeneDx
Classification: Likely benign. Last evaluated: 2016-09-23. Review status: criteria provided, single submitter. Criteria: GeneDx Variant Classification (06012015). Collection method: clinical testing. Allele origin: germline. Affected: yes.
Comment: This variant is considered likely benign or benign based on one or more of the following criteria: it is a conservative change, it occurs at a poorly conserved position in the protein, it is predicted to be benign by multiple in silico algorithms, and/or has population frequency not consistent with disease.

NM_004369.4(COL6A3):c.5265G>A (p.Ser1755=)

Gene: COL6A3 (collagen type VI alpha 3 chain; minus strand). Cytogenetic location: 2q37.3.
Variant type: single nucleotide variant.
Coding change: c.5265G>A on transcript NM_004369.4 (MANE Select); coding-DNA position 5265, G replaced by A.
Protein change: p.Ser1755=; no amino-acid change (serine 1755 retained).
Molecular consequence: synonymous variant.
Genome position (GRCh38, 1-based): chr2:237,366,922, C>T on the plus strand (G>A on the coding strand, the complement: COL6A3 is on the minus strand). VCF-style: chr2-237366922-C-T. GRCh37 (hg19) VCF-style: chr2-238275565-C-T.
Other names: c.3444G>A, p.Ser1148= (NM_057166.5); c.4647G>A, p.Ser1549= (NM_057167.4).
Identifiers: ClinVar variation 389125 (VCV000389125.11), dbSNP rs140699766, ClinGen allele CA2188710.
Genomic context (GRCh38, chr2:237,366,922, plus strand): 5'-AGCAAACACTTTGACCCCCCTCTGGGTGAGGGCCAGGCTCACATCCTGTGCATCTTCCAC[C>T]GACTTTCCTCCCGTGATCACAAAGGCAATCTGAGGGACCCGCTGGTCCAGGCGGCTGCCT-3'
Protein context (NP_004360.2, residues 1745-1765): QIAFVITGGK[Ser1755=]VEDAQDVSLA